The following is an entry in ClinVar:

NM_000535.7(PMS2):c.2112C>A (p.Asp704Glu)

Gene: PMS2 (PMS1 homolog 2, mismatch repair system component; minus strand). Cytogenetic location: 7p22.1.
Variant type: single nucleotide variant.
Coding change: c.2112C>A on transcript NM_000535.7 (MANE Select); coding-DNA position 2112, C replaced by A.
Protein change: p.Asp704Glu; replaces aspartic acid 704 with glutamic acid.
Molecular consequence: missense variant. On other transcripts: non-coding transcript variant (1).
Genome position (GRCh38, 1-based): chr7:5,982,886, G>T on the plus strand (C>A on the coding strand, the complement: PMS2 is on the minus strand). VCF-style: chr7-5982886-G-T. GRCh37 (hg19) VCF-style: chr7-6022517-G-T.
Other names: c.1707C>A, p.Asp569Glu (NM_001322003.2, NM_001322004.2, NM_001322005.2 and 1 more transcripts); c.1956C>A, p.Asp652Glu (NM_001322006.2); c.1794C>A, p.Asp598Glu (NM_001322007.2, NM_001322008.2); c.1551C>A, p.Asp517Glu (NM_001322010.2); c.1179C>A, p.Asp393Glu (NM_001322011.2, NM_001322012.2); c.1539C>A, p.Asp513Glu (NM_001322013.2); c.2112C>A, p.Asp704Glu (NM_001322014.2); c.1803C>A, p.Asp601Glu (NM_001322015.2); short protein forms D393E, D513E, D517E, D569E, D598E, D601E, D652E, D704E.
Identifiers: ClinVar variation 984459 (VCV000984459.1), dbSNP rs764735061, ClinGen allele CA366737973.

ClinVar aggregate classification (germline): Uncertain significance (1 of 4 stars; one submission).

Submission:

Women's Health and Genetics/Laboratory Corporation of America, LabCorp
Classification: Uncertain significance. Last evaluated: 2020-10-05. Review status: criteria provided, single submitter. Criteria: LabCorp Variant Classification Summary - May 2015. Collection method: clinical testing. Allele origin: germline.
Comment: Variant summary: PMS2 c.2112C>A (p.Asp704Glu) results in a conservative amino acid change located in the MutL, C-terminal, dimerisation domain of the encoded protein sequence. Four of five in-silico tools predict a damaging effect of the variant on protein function. The variant was absent in 226060 control chromosomes. The available data on variant occurrences in the general population are insufficient to allow any conclusion about variant significance. To our knowledge, no occurrence of c.2112C>A in individuals affected with Lynch Syndrome and no experimental evidence demonstrating its impact on protein function have been reported. No clinical diagnostic laboratories have submitted clinical-significance assessments for this variant to ClinVar after 2014. Based on the evidence outlined above, the variant was classified as uncertain significance.